The following is an entry in ClinVar:

NM_001128840.3(CACNA1D):c.5692G>A (p.Val1898Ile)

Gene: CACNA1D (calcium voltage-gated channel subunit alpha1 D; plus strand). Cytogenetic location: 3p21.1.
Variant type: single nucleotide variant.
Coding change: c.5692G>A on transcript NM_001128840.3 (MANE Select); coding-DNA position 5692, G replaced by A.
Protein change: p.Val1898Ile; replaces valine 1898 with isoleucine.
Molecular consequence: missense variant.
Genome position (GRCh38, 1-based): chr3:53,805,089, G>A. VCF-style: chr3-53805089-G-A. GRCh37 (hg19) VCF-style: chr3-53839116-G-A.
Other names: c.5752G>A, p.Val1918Ile (NM_000720.4); c.5620G>A, p.Val1874Ile (NM_001128839.3); c.5752G>A (NM_000720.3); short protein forms V1874I, V1898I, V1918I.
Identifiers: ClinVar variation 1219359 (VCV001219359.12), dbSNP rs142184099, ClinGen allele CA2455224.

ClinVar aggregate classification (germline): Conflicting classifications of pathogenicity. Review status: criteria provided, conflicting classifications (1 of 4 stars). 5 submissions from 5 submitters: Uncertain significance (1); Likely benign (4). Last evaluated 2026-02-09.

Conditions:
Inborn genetic diseases. Identifiers: MedGen C0950123, MeSH D030342.
CACNA1D-related disorder.

Allele frequency attached by ClinVar (database versions not stated): 1000 Genomes Project 0.00020; 1000 Genomes Project 30x 0.00031; ESP Exome Variant Server 0.00031.
gnomAD v4.1: 150 of 1,614,092 alleles (0.0093%); highest among the groups gnomAD compares: African/African-American, 0.068%; 1 homozygote.

Submissions (5):

Women's Health and Genetics/Laboratory Corporation of America, LabCorp
Classification: Uncertain significance. Last evaluated: 2026-02-09. Review status: criteria provided, single submitter. Criteria: LabCorp Variant Classification Summary - May 2015. Collection method: clinical testing. Allele origin: germline.
Comment: Variant summary: CACNA1D c.5752G>A (p.Val1918Ile) results in a conservative amino acid change in the encoded protein sequence. Algorithms developed to predict the effect of missense changes on protein structure and function all suggest that this variant is likely to be tolerated. The variant allele was found at a frequency of 0.00012 in 251440 control chromosomes. This frequency is not significantly higher than estimated for disease-causing variants in CACNA1D, allowing no conclusion about variant significance. To our knowledge, no occurrence of c.5752G>A in individuals affected with CACNA1D-related conditions and no experimental evidence demonstrating its impact on protein function have been reported. ClinVar contains an entry for this variant (Variation ID: 1219359). Based on the evidence outlined above, the variant was classified as uncertain significance.

Labcorp Genetics (formerly Invitae), Labcorp
Classification: Likely benign. Last evaluated: 2026-01-06. Review status: criteria provided, single submitter. Criteria: Invitae Variant Classification Sherloc (09022015). Collection method: clinical testing. Allele origin: germline.

PreventionGenetics, part of Exact Sciences
Classification: Likely benign for CACNA1D-related condition. Last evaluated: 2025-12-09. Review status: criteria provided, single submitter. Criteria: ACMG Guidelines, 2015. Collection method: clinical testing. Allele origin: germline.
Comment: This variant is classified as likely benign based on ACMG/AMP sequence variant interpretation guidelines (Richards et al. 2015 PMID: 25741868, with internal and published modifications).

Ambry Genetics
Classification: Likely benign for Inborn genetic diseases. Last evaluated: 2022-11-01. Review status: criteria provided, single submitter. Criteria: Ambry Variant Classification Scheme 2023. Collection method: clinical testing. Allele origin: germline.

GeneDx
Classification: Likely benign. Last evaluated: 2020-07-13. Review status: criteria provided, single submitter. Criteria: GeneDx Variant Classification Process June 2021. Collection method: clinical testing. Allele origin: germline. Affected: yes.